The following is an entry in ClinVar:

NC_000016.9:g.(?_21689836)_(21739772_?)del

Gene: OTOA (otoancorin). Cytogenetic location: 16p12.2.
Variant type: Deletion.
Identifiers: ClinVar variation 1459527 (VCV001459527.5).

ClinVar aggregate classification (germline): Pathogenic (1 of 4 stars; one submission).

Submission:

Labcorp Genetics (formerly Invitae), Labcorp
Classification: Pathogenic. Last evaluated: 2024-01-29. Review status: criteria provided, single submitter. Criteria: Invitae Variant Classification Sherloc (09022015). Collection method: clinical testing. Allele origin: germline.
Comment: This variant is a gross deletion of the genomic region encompassing exon(s) 1-19 of the OTOA gene, which includes the initiator codon. This deletion extends beyond the assayed region for this gene and therefore may encompass additional genes. It is expected to result in an absent or disrupted protein product. Loss-of-function variants in OTOA are known to be pathogenic (PMID: 11972037). This variant has not been reported in the literature in individuals affected with OTOA-related conditions. For these reasons, this variant has been classified as Pathogenic.

Literature cited by the submitters: PubMed 11972037.